The following is an entry in ClinVar:

ClinVar aggregate classification (germline): Uncertain significance (1 of 4 stars; one submission).

gnomAD v4.1: 1 of 1,613,618 alleles (0.000062%); highest among the groups gnomAD compares: Non-Finnish European, 0.000085%; no homozygotes.

Submission:

GeneDx
Classification: Uncertain significance. Last evaluated: 2022-02-15. Review status: criteria provided, single submitter. Criteria: GeneDx Variant Classification Process June 2021. Collection method: clinical testing. Allele origin: germline. Affected: yes.
Comment: Not observed at significant frequency in large population cohorts (gnomAD); In silico analysis supports that this missense variant has a deleterious effect on protein structure/function; Has not been previously published as pathogenic or benign to our knowledge

NM_018979.4(WNK1):c.6650G>T (p.Ser2217Ile)

Gene: WNK1 (WNK lysine deficient protein kinase 1; plus strand). Cytogenetic location: 12p13.33.
Variant type: single nucleotide variant.
Coding change: c.6650G>T on transcript NM_018979.4 (MANE Select); coding-DNA position 6650, G replaced by T.
Protein change: p.Ser2217Ile; replaces serine 2217 with isoleucine.
Molecular consequence: missense variant.
Genome position (GRCh38, 1-based): chr12:907,853, G>T. VCF-style: chr12-907853-G-T. GRCh37 (hg19) VCF-style: chr12-1017019-G-T.
Other names: c.7430G>T, p.Ser2477Ile (NM_001184985.2); c.5906G>T, p.Ser1969Ile (NM_014823.3); c.7406G>T, p.Ser2469Ile (NM_213655.5); short protein forms S1969I, S2217I, S2469I, S2477I.
Identifiers: ClinVar variation 1702740 (VCV001702740.2), dbSNP rs2154103905, ClinGen allele CA383340254.
Genomic context (GRCh38, chr12:907,853, plus strand): 5'-CTGAAATTGTAACCTAGGCTTCTTTTAATGCTCGTATTCTGTTGCTTATAATAGGAACCA[G>T]CAGCACAAACACTGTTGGGGCAACAGTGAACAGCCAAGCCGCCCAAGCTCAGCCTCCTGC-3'
Protein context (NP_061852.3, residues 2207-2227): PSLSAPGQGT[Ser2217Ile]STNTVGATVN